The following is an entry in ClinVar:

ClinVar aggregate classification (germline): Uncertain significance (1 of 4 stars; one submission).

Allele frequency attached by ClinVar (database versions not stated): gnomAD exomes 0.00001.
gnomAD v4.1: 3 of 1,614,188 alleles (0.00019%); highest among the groups gnomAD compares: Non-Finnish European, 0.00025%; no homozygotes.

Submission:

Ambry Genetics
Classification: Uncertain significance. Last evaluated: 2022-06-03. Review status: criteria provided, single submitter. Criteria: Ambry Variant Classification Scheme 2023. Collection method: clinical testing. Allele origin: germline.
Comment: The p.F859L variant (also known as c.2575T>C), located in coding exon 1 of the MLH3 gene, results from a T to C substitution at nucleotide position 2575. The phenylalanine at codon 859 is replaced by leucine, an amino acid with highly similar properties. This amino acid position is conserved. In addition, this alteration is predicted to be tolerated by in silico analysis. Since supporting evidence is limited at this time, the clinical significance of this alteration remains unclear.

NM_001040108.2(MLH3):c.2575T>C (p.Phe859Leu)

Gene: MLH3 (mutL homolog 3; minus strand). Cytogenetic location: 14q24.3.
Variant type: single nucleotide variant.
Coding change: c.2575T>C on transcript NM_001040108.2 (MANE Select); coding-DNA position 2575, T replaced by C.
Protein change: p.Phe859Leu; replaces phenylalanine 859 with leucine.
Molecular consequence: missense variant.
Genome position (GRCh38, 1-based): chr14:75,047,081, A>G on the plus strand (T>C on the coding strand, the complement: MLH3 is on the minus strand). VCF-style: chr14-75047081-A-G. GRCh37 (hg19) VCF-style: chr14-75513784-A-G.
Other names: c.2575T>C, p.Phe859Leu (NM_014381.3); short protein forms F859L.
Identifiers: ClinVar variation 1793306 (VCV001793306.2), dbSNP rs2503266538, ClinGen allele CA390439827.